The following is an entry in ClinVar:

NM_001715.3(BLK):c.252G>C (p.Lys84Asn)

Gene: BLK (BLK proto-oncogene, Src family tyrosine kinase). Cytogenetic location: 8p23.1.
Variant type: single nucleotide variant.
Coding change: c.252G>C on transcript NM_001715.3 (MANE Select); coding-DNA position 252, G replaced by C.
Protein change: p.Lys84Asn; replaces lysine 84 with asparagine.
Molecular consequence: missense variant.
Genome position (GRCh38, 1-based): chr8:11,548,108, G>C. VCF-style: chr8-11548108-G-C. GRCh37 (hg19) VCF-style: chr8-11405617-G-C.
Other names: c.39G>C, p.Lys13Asn (NM_001330465.2); short protein forms K84N, K13N.
Identifiers: ClinVar variation 619207 (VCV000619207.3), dbSNP rs778435147, ClinGen allele CA4629772.

ClinVar aggregate classification (germline): Uncertain significance. Review status: criteria provided, single submitter (1 of 4 stars). 2 submissions from 2 submitters: Uncertain significance (1). 1 of the submissions does not count toward it. Last evaluated 2024-10-12.

Conditions:
Systemic lupus erythematosus (SLE). Identifiers: Orphanet 536, MedGen C0024141, MONDO:0007915, OMIM 152700, HP:0002725.

Allele frequency attached by ClinVar (database versions not stated): gnomAD exomes 0.00001 and 0.00006; gnomAD 0.00003 and 0.00004; TOPMed 0.00004; ExAC 0.00007.
gnomAD v4.1: 24 of 1,613,378 alleles (0.0015%); highest among the groups gnomAD compares: East Asian, 0.051%; no homozygotes.

Submissions (2):

Labcorp Genetics (formerly Invitae), Labcorp
Classification: Uncertain significance. Last evaluated: 2024-10-12. Review status: criteria provided, single submitter. Criteria: Invitae Variant Classification Sherloc (09022015). Collection method: clinical testing. Allele origin: germline.
Comment: This sequence change replaces lysine, which is basic and polar, with asparagine, which is neutral and polar, at codon 84 of the BLK protein (p.Lys84Asn). This variant is present in population databases (rs778435147, gnomAD 0.1%), and has an allele count higher than expected for a pathogenic variant. This variant has not been reported in the literature in individuals affected with BLK-related conditions. ClinVar contains an entry for this variant (Variation ID: 619207). An algorithm developed to predict the effect of missense changes on protein structure and function (PolyPhen-2) suggests that this variant is likely to be disruptive. Experimental studies have shown that this missense change affects BLK function (PMID: 31101814). In summary, the available evidence is currently insufficient to determine the role of this variant in disease. Therefore, it has been classified as a Variant of Uncertain Significance.

Carola Vinuesa Lab, John Curtin School of Medical Research
Classification: Benign for Systemic lupus erythematosus. Review status: no assertion criteria provided. Collection method: research. Allele origin: germline. Affected: no. Not counted in ClinVar's aggregate classification.

Literature cited by the submitters: PubMed 31101814 (cited by Labcorp Genetics (formerly Invitae), Labcorp).